The following is an entry in ClinVar:

NM_001080449.3(DNA2):c.2486T>C (p.Met829Thr)

Gene: DNA2 (DNA replication helicase/nuclease 2; minus strand). Cytogenetic location: 10q21.3.
Variant type: single nucleotide variant.
Coding change: c.2486T>C on transcript NM_001080449.3 (MANE Select); coding-DNA position 2486, T replaced by C.
Protein change: p.Met829Thr; replaces methionine 829 with threonine.
Molecular consequence: missense variant. On other transcripts: non-coding transcript variant (1).
Genome position (GRCh38, 1-based): chr10:68,422,521, A>G on the plus strand (T>C on the coding strand, the complement: DNA2 is on the minus strand). VCF-style: chr10-68422521-A-G. GRCh37 (hg19) VCF-style: chr10-70182278-A-G.
Other names: c.2486T>C (NM_001080449.2); short protein forms M829T.
Identifiers: ClinVar variation 4804812 (VCV004804812.2).
Genomic context (GRCh38, chr10:68,422,521, plus strand): 5'-TGGTAGATGGAAACAAACATGAAAACCACTCCTAGCTAACACTGTTACAAATACCTGTTC[A>G]TTCTGTACTGCACGGTTAACTGTACAACAGCACTCTTATTCTGCTCCAGCCTCTTGAATA-3'
Protein context (NP_001073918.2, residues 819-839): AVVQLTVQYR[Met829Thr]NSKIMSLSNK

ClinVar aggregate classification (germline): Uncertain significance. Review status: criteria provided, multiple submitters, no conflicts (2 of 4 stars). 2 submissions from 2 submitters: Uncertain significance (2). Last evaluated 2026-01-09.

Conditions:
Inborn genetic diseases. Identifiers: MedGen C0950123, MeSH D030342.

gnomAD v4.1: 1 of 1,613,968 alleles (0.000062%); highest among the groups gnomAD compares: Admixed American, 0.0017%; no homozygotes.

Submissions (2):

Ambry Genetics
Classification: Uncertain significance for Inborn genetic diseases. Last evaluated: 2026-01-09. Review status: criteria provided, single submitter. Criteria: Ambry Variant Classification Scheme 2023. Collection method: clinical testing. Allele origin: germline.
Comment: The c.2486T>C (p.M829T) alteration is located in exon 16 (coding exon 16) of the DNA2 gene. This alteration results from a T to C substitution at nucleotide position 2486, causing the methionine (M) at amino acid position 829 to be replaced by a threonine (T). Based on data from gnomAD, the C allele has an overall frequency of 0.003% (1/31410) total alleles studied. The highest observed frequency was 0.118% (1/848) of Latino alleles. Based on insufficient or conflicting evidence, the clinical significance of this alteration remains unclear.

Labcorp Genetics (formerly Invitae), Labcorp
Classification: Uncertain significance. Last evaluated: 2025-11-18. Review status: criteria provided, single submitter. Criteria: Invitae Variant Classification Sherloc (09022015). Collection method: clinical testing. Allele origin: germline.
Comment: This sequence change replaces methionine, which is neutral and non-polar, with threonine, which is neutral and polar, at codon 829 of the DNA2 protein (p.Met829Thr). This variant is present in population databases (no rsID available, gnomAD no frequency). This variant has not been reported in the literature in individuals affected with DNA2-related conditions. Invitae Evidence Modeling of protein sequence and biophysical properties (such as structural, functional, and spatial information, amino acid conservation, physicochemical variation, residue mobility, and thermodynamic stability) indicates that this missense variant is expected to disrupt DNA2 protein function with a positive predictive value of 80%. In summary, the available evidence is currently insufficient to determine the role of this variant in disease. Therefore, it has been classified as a Variant of Uncertain Significance.